The following is an entry in ClinVar:

ClinVar aggregate classification (germline): Likely benign (1 of 4 stars; one submission).

Submission:

CeGaT Center for Human Genetics Tuebingen
Classification: Likely benign. Last evaluated: 2025-12-01. Review status: criteria provided, single submitter. Criteria: CeGaT Center For Human Genetics Tuebingen Variant Classification Criteria Version 2. Collection method: clinical testing. Allele origin: germline. Affected: yes. Observed: 1 variant allele.
Comment: TCF20: PM2:Supporting, BP4, BP7

NM_001378418.1(TCF20):c.1617C>T (p.Gly539=)

Gene: TCF20 (transcription factor 20; minus strand). Cytogenetic location: 22q13.2.
Variant type: single nucleotide variant.
Coding change: c.1617C>T on transcript NM_001378418.1 (MANE Select); coding-DNA position 1617, C replaced by T.
Protein change: p.Gly539=; no amino-acid change (glycine 539 retained).
Molecular consequence: synonymous variant.
Genome position (GRCh38, 1-based): chr22:42,213,689, G>A on the plus strand (C>T on the coding strand, the complement: TCF20 is on the minus strand). VCF-style: chr22-42213689-G-A. GRCh37 (hg19) VCF-style: chr22-42609695-G-A.
Other names: c.1617C>T, p.Gly539= (NM_005650.4, NM_181492.3).
Identifiers: ClinVar variation 4681538 (VCV004681538.5).